The following is an entry in ClinVar:

ClinVar aggregate classification (germline): Likely benign (1 of 4 stars; one submission).

Conditions:
PI4KB-related disorder. Also called: PI4KB-related condition.

gnomAD v4.1: 134 of 1,573,026 alleles (0.0085%); highest among the groups gnomAD compares: Admixed American, 0.035%; no homozygotes.

Submission:

PreventionGenetics, part of Exact Sciences
Classification: Likely benign for PI4KB-related condition. Last evaluated: 2024-10-16. Review status: criteria provided, single submitter. Criteria: ACMG Guidelines, 2015. Collection method: clinical testing. Allele origin: germline.
Comment: This variant is classified as likely benign based on ACMG/AMP sequence variant interpretation guidelines (Richards et al. 2015 PMID: 25741868, with internal and published modifications).

NM_001369623.2(PI4KB):c.1520+5G>T

Gene: PI4KB (phosphatidylinositol 4-kinase beta; minus strand). Cytogenetic location: 1q21.3.
Variant type: single nucleotide variant.
Coding change: c.1520+5G>T on transcript NM_001369623.2 (MANE Select); 5 bases into the intron after coding-DNA position 1520, G replaced by T.
Molecular consequence: intron variant.
Genome position (GRCh38, 1-based): chr1:151,303,536, C>A on the plus strand (G>T on the coding strand, the complement: PI4KB is on the minus strand). VCF-style: chr1-151303536-C-A. GRCh37 (hg19) VCF-style: chr1-151276012-C-A.
Other names: c.1520+5G>T (NM_001369626.1, NM_001369629.2, NM_001330721.2); c.1475+5G>T (NM_001369624.1, NM_001198774.2, NM_001198773.3); c.1511+5G>T (NM_001369625.1, NM_001369628.1); c.524+5G>T (NM_001198775.3); c.1556+5G>T (NM_002651.4).
Identifiers: ClinVar variation 4979752 (VCV004979752.1).